The following is an entry in ClinVar:

NM_004667.6(HERC2):c.13368C>T (p.Pro4456=)

Gene: HERC2 (HECT and RLD domain containing E3 ubiquitin protein ligase 2; minus strand). Cytogenetic location: 15q13.1.
Variant type: single nucleotide variant.
Coding change: c.13368C>T on transcript NM_004667.6 (MANE Select); coding-DNA position 13368, C replaced by T.
Protein change: p.Pro4456=; no amino-acid change (proline 4456 retained).
Molecular consequence: synonymous variant.
Genome position (GRCh38, 1-based): chr15:28,117,059, G>A on the plus strand (C>T on the coding strand, the complement: HERC2 is on the minus strand). VCF-style: chr15-28117059-G-A. GRCh37 (hg19) VCF-style: chr15-28362205-G-A.
Identifiers: ClinVar variation 4281090 (VCV004281090.7).

ClinVar aggregate classification (germline): Likely benign (1 of 4 stars; one submission).

gnomAD v4.1: 34 of 1,614,018 alleles (0.0021%); highest among the groups gnomAD compares: Non-Finnish European, 0.0027%; no homozygotes.

Submission:

CeGaT Center for Human Genetics Tuebingen
Classification: Likely benign. Last evaluated: 2025-09-01. Review status: criteria provided, single submitter. Criteria: CeGaT Center For Human Genetics Tuebingen Variant Classification Criteria Version 2. Collection method: clinical testing. Allele origin: germline. Affected: yes. Observed: 1 variant allele.
Comment: HERC2: BP4, BP7